The following is an entry in ClinVar:

NM_000019.4(ACAT1):c.890C>T (p.Thr297Met)

Gene: ACAT1 (acetyl-CoA acetyltransferase 1; plus strand). Cytogenetic location: 11q22.3.
Variant type: single nucleotide variant.
Coding change: c.890C>T on transcript NM_000019.4 (MANE Select); coding-DNA position 890, C replaced by T.
Protein change: p.Thr297Met; replaces threonine 297 with methionine.
Molecular consequence: missense variant.
Genome position (GRCh38, 1-based): chr11:108,142,500, C>T. VCF-style: chr11-108142500-C-T. GRCh37 (hg19) VCF-style: chr11-108013227-C-T.
Other names: c.890C>T, p.Thr297Met (LRG_1400t1); short protein forms T297M.
Identifiers: ClinVar variation 279672 (VCV000279672.42), dbSNP rs886041122, ClinGen allele CA10603085.

ClinVar aggregate classification (germline): Pathogenic/Likely pathogenic. Review status: criteria provided, multiple submitters, no conflicts (2 of 4 stars). 11 submissions from 11 submitters: Pathogenic (2); Likely pathogenic (8). 1 of the submissions does not count toward it. Last evaluated 2025-12-15.

Conditions:
ACAT1-related disorder. Also called: ACAT1-related condition.
Deficiency of acetyl-CoA acetyltransferase. Also called: 3-KETOTHIOLASE DEFICIENCY; 3-OXOTHIOLASE DEFICIENCY; MITOCHONDRIAL ACETOACETYL-CoA THIOLASE DEFICIENCY; Beta-ketothiolase deficiency. Identifiers: Orphanet 134, MedGen C1536500, MONDO:0008760, OMIM 203750. Disease mechanism: loss of function.

Allele frequency attached by ClinVar (database versions not stated): TOPMed 0.00002.

Submissions (11):

GeneDx
Classification: Pathogenic. Last evaluated: 2025-12-15. Review status: criteria provided, single submitter. Criteria: GeneDx Variant Classification Process June 2021. Collection method: clinical testing. Allele origin: germline. Affected: yes.
Comment: Published functional studies demonstrate a damaging effect suggesting that the variant leads to peptide destabilization (PMID: 7728148); In silico analysis supports that this missense variant has a deleterious effect on protein structure/function; Not observed at significant frequency in large population cohorts (gnomAD); This variant is associated with the following publications: (PMID: 7749408, 34426522, 7728148, 25085675)

Myriad Genetics, Inc.
Classification: Likely pathogenic for Deficiency of acetyl-CoA acetyltransferase. Last evaluated: 2025-03-17. Review status: criteria provided, single submitter. Criteria: Myriad Autosomal Dominant, Autosomal Recessive and X-Linked Classification Criteria (2023). Collection method: clinical testing. Allele origin: unknown.
Comment: NM_000019.3(ACAT1):c.890C>T(T297M) is a missense variant classified as likely pathogenic in the context of beta-ketothiolase deficiency. T297M has been observed in cases with relevant disease (PMID: 7728148, 25085675). Relevant functional assessments of this variant are available in the literature (PMID: 7749408, 15128923). T297M has been observed in referenced population frequency databases. In summary, NM_000019.3(ACAT1):c.890C>T(T297M) is a missense variant that has functional support for pathogenicity and has been observed more frequently in cases with the relevant disease than in healthy populations. Please note: this variant was assessed in the context of healthy population screening.

Natera, Inc.
Classification: Likely pathogenic for Alpha-methylacetoacetic aciduria. Last evaluated: 2024-12-06. Review status: criteria provided, single submitter. Criteria: Natera Variant Classification Schema (03/2026). Collection method: clinical testing. Allele origin: germline.
Comment: The c.890C>T variant in ACAT1 is a missense variant predicted to cause substitution of threonine to methionine at amino acid 297. This variant is rare in the general population with a frequency below the threshold expected for the associated phenotype(s). This variant has been observed in one or more individuals affected with the associated recessive disease, as either homozygous or compound heterozygous with a second variant (PMID: 30393371). Functional studies show that this variant may disrupt protein function (PMID: 7728148). Computational prediction algorithms indicate this variant is likely to affect gene or protein function. Given the available evidence, this variant is classified as Likely Pathogenic.

Fulgent Genetics
Classification: Likely pathogenic for Deficiency of acetyl-CoA acetyltransferase. Last evaluated: 2024-05-25. Review status: criteria provided, single submitter. Criteria: ACMG Guidelines, 2015. Collection method: clinical testing. Allele origin: germline.

Baylor Genetics
Classification: Likely pathogenic for Deficiency of acetyl-CoA acetyltransferase. Last evaluated: 2024-03-11. Review status: criteria provided, single submitter. Criteria: ACMG Guidelines, 2015. Collection method: clinical testing. Allele origin: unknown.

Labcorp Genetics (formerly Invitae), Labcorp
Classification: Pathogenic for Deficiency of acetyl-CoA acetyltransferase. Last evaluated: 2023-04-06. Review status: criteria provided, single submitter. Criteria: Invitae Variant Classification Sherloc (09022015). Collection method: clinical testing. Allele origin: germline.
Comment: This sequence change replaces threonine, which is neutral and polar, with methionine, which is neutral and non-polar, at codon 297 of the ACAT1 protein (p.Thr297Met). This variant is present in population databases (no rsID available, gnomAD 0.006%). This missense change has been observed in individual(s) with mitochondrial acetoacetyl-CoA thiolase deficiency (PMID: 7728148). In at least one individual the data is consistent with being in trans (on the opposite chromosome) from a pathogenic variant. ClinVar contains an entry for this variant (Variation ID: 279672). Advanced modeling of protein sequence and biophysical properties (such as structural, functional, and spatial information, amino acid conservation, physicochemical variation, residue mobility, and thermodynamic stability) performed at Invitae indicates that this missense variant is expected to disrupt ACAT1 protein function. Studies have shown that this missense change alters ACAT1 gene expression (PMID: 7728148). This variant disrupts the p.Thr297 amino acid residue in ACAT1. Other variant(s) that disrupt this residue have been determined to be pathogenic (PMID: 28875337). This suggests that this residue is clinically significant, and that variants that disrupt this residue are likely to be disease-causing. For these reasons, this variant has been classified as Pathogenic.

Women's Health and Genetics/Laboratory Corporation of America, LabCorp
Classification: Likely pathogenic for Deficiency of acetyl-CoA acetyltransferase. Last evaluated: 2022-10-27. Review status: criteria provided, single submitter. Criteria: LabCorp Variant Classification Summary - May 2015. Collection method: clinical testing. Allele origin: germline.
Comment: Variant summary: ACAT1 c.890C>T (p.Thr297Met) results in a non-conservative amino acid change located in the Thiolase, N-terminal domain (IPR020616) of the encoded protein sequence. Five of five in-silico tools predict a damaging effect of the variant on protein function. The variant allele was found at a frequency of 1.2e-05 in 251202 control chromosomes (gnomAD). c.890C>T has been reported in the literature in at least one compound heterozygous individual affected with Acetoacetyl-CoA Thiolase (T2) Deficiency (Wakazono_1995). These data do not allow any conclusion about variant significance. Wakazono_1995 also provided experimental evidence evaluating the variants impact on protein function, and reported that the variant has 10% residual activity. Four ClinVar submitters have assessed the variant since 2014: two classified the variant as likely pathogenic and two as pathogenic. Based on the evidence outlined above, the variant was classified as likely pathogenic.

CeGaT Center for Human Genetics Tuebingen
Classification: Likely pathogenic. Last evaluated: 2022-07-01. Review status: criteria provided, single submitter. Criteria: CeGaT Center For Human Genetics Tuebingen Variant Classification Criteria Version 2. Collection method: clinical testing. Allele origin: germline. Affected: yes. Observed: 1 variant allele.
Comment: ACAT1: PM2, PM3, PM5, PP3

Centre for Mendelian Genomics, University Medical Centre Ljubljana
Classification: Likely pathogenic for Deficiency of acetyl-CoA acetyltransferase. Last evaluated: 2019-08-29. Review status: criteria provided, single submitter. Criteria: ACMG Guidelines, 2015. Collection method: clinical testing. Allele origin: unknown. Affected: yes.
Comment: This variant was classified as: Likely pathogenic. The following ACMG criteria were applied in classifying this variant: PS1,PM2,PP3.

Department of Pediatrics, Gifu University
Classification: Likely pathogenic for Deficiency of acetyl-CoA acetyltransferase. Last evaluated: 2019-05-05. Review status: criteria provided, single submitter. Criteria: ACMG Guidelines, 2015. Collection method: research. Allele origin: germline. Affected: yes. Observed: 1 variant allele.

PreventionGenetics, part of Exact Sciences
Classification: Likely pathogenic for ACAT1-related condition. Last evaluated: 2024-09-13. Review status: no assertion criteria provided. Collection method: clinical testing. Allele origin: germline. Not counted in ClinVar's aggregate classification.
Comment: The ACAT1 c.890C>T variant is predicted to result in the amino acid substitution p.Thr297Met. This variant has been reported in the compound heterozygous state in an individual with acetoacetyl-CoA thiolase deficiency (Fukao et al. 1995. PubMed ID: 7749408; Wakazono et al. 1995. PubMed ID: 7728148). Experimental studies suggest this variant impacts protein function (Fukao et al. 1995. PubMed ID: 7749408). A different amino acid substitution at this position (p.Thr297Lys) has been reported to be pathogenic (Su et al. 2017. PubMed ID: 28875337). This variant is reported in 0.0054% of alleles in individuals of East Asian descent in gnomAD. This variant is interpreted as likely pathogenic.

Literature cited by the submitters: PubMed 15128923 (cited by Myriad Genetics, Inc.); PubMed 25085675 (cited by Myriad Genetics, Inc.); PubMed 7728148 (cited by 5 submitters); PubMed 7749408 (cited by Myriad Genetics, Inc.); PubMed 30393371 (cited by Natera, Inc.); PubMed 28875337 (cited by Labcorp Genetics (formerly Invitae), Labcorp); PubMed 31268215 (cited by Department of Pediatrics, Gifu University).